The following is an entry in ClinVar:

NM_000292.3(PHKA2):c.84C>T (p.Pro28=)

Gene: PHKA2 (phosphorylase kinase regulatory subunit alpha 2; minus strand). Cytogenetic location: Xp22.13.
Variant type: single nucleotide variant.
Coding change: c.84C>T on transcript NM_000292.3 (MANE Select); coding-DNA position 84, C replaced by T.
Protein change: p.Pro28=; no amino-acid change (proline 28 retained).
Molecular consequence: synonymous variant.
Genome position (GRCh38, 1-based): chrX:18,954,407, G>A on the plus strand (C>T on the coding strand, the complement: PHKA2 is on the minus strand). VCF-style: chrX-18954407-G-A. GRCh37 (hg19) VCF-style: chrX-18972525-G-A.
Other names: c.84C>T (NM_000292.2).
Identifiers: ClinVar variation 2725904 (VCV002725904.4), dbSNP rs149538323, ClinGen allele CA10362182.
Genomic context (GRCh38, chrX:18,954,407, plus strand): 5'-GATGTTATCCCGCACCCAGGCATCCTTCTGCTCATGGCTGGCTGACAGCAGCCCCGTGAC[G>A]GGATTCTATTAGAGAAGAGACACAAAATGGCTCAGTGCCATCCTTCATGCAGTCCCTGGG-3'
Protein context (NP_000283.1, residues 18-38): VQQTILCYQN[Pro28=]VTGLLSASHE

ClinVar aggregate classification (germline): Likely benign. Review status: criteria provided, multiple submitters, no conflicts (2 of 4 stars). 2 submissions from 2 submitters: Likely benign (2). Last evaluated 2026-04-22.

Conditions:
Glycogen storage disease IXa1. Also called: GLYCOGEN STORAGE DISEASE VIII; GSD VIII; Glycogen storage disease 8; LIVER GLYCOGENOSIS, X-LINKED, TYPE I. Identifiers: Orphanet 264580, MedGen C3694531, MONDO:0010598, OMIM 306000.
PHKA2-related disorder. Also called: PHKA2-related condition.

Allele frequency attached by ClinVar (database versions not stated): ExAC 0.00001; gnomAD exomes 0.00001; gnomAD 0.00002; TOPMed 0.00004; ESP Exome Variant Server 0.00009.
gnomAD v4.1: 19 of 1,208,972 alleles (0.0016%); highest among the groups gnomAD compares: African/African-American, 0.007%; no homozygotes.

Submissions (2):

PreventionGenetics, part of Exact Sciences
Classification: Likely benign for PHKA2-related condition. Last evaluated: 2026-04-22. Review status: criteria provided, single submitter. Criteria: ACMG Guidelines, 2015. Collection method: clinical testing. Allele origin: germline.
Comment: This variant is classified as likely benign based on ACMG/AMP sequence variant interpretation guidelines (Richards et al. 2015 PMID: 25741868, with internal and published modifications).

Labcorp Genetics (formerly Invitae), Labcorp
Classification: Likely benign for Glycogen storage disease IXa1. Last evaluated: 2023-04-03. Review status: criteria provided, single submitter. Criteria: Invitae Variant Classification Sherloc (09022015). Collection method: clinical testing. Allele origin: germline.